The following is an entry in ClinVar:

ClinVar aggregate classification (germline): Uncertain significance (0 of 4 stars; one submission).

Conditions:
Polycystic kidney disease 4 (PKD4). Also called: POLYCYSTIC KIDNEY AND HEPATIC DISEASE 1; POLYCYSTIC KIDNEY DISEASE, INFANTILE, TYPE I; PKD3; Autosomal Recessive Polycystic Kidney Disease – PKHD1; POLYCYSTIC KIDNEY DISEASE 4 WITH OR WITHOUT POLYCYSTIC LIVER DISEASE. Identifiers: MedGen C4540575, MONDO:0033004, OMIM 263200.

gnomAD v4.1: 1 of 1,613,386 alleles (0.000062%); highest among the groups gnomAD compares: African/African-American, 0.0013%; no homozygotes.

Submission:

Genetics laboratory, Institute of Kidney Diseases & Research Centre Dr. H.L. Trivedi Institute Of Transplantation Sciences
Classification: Uncertain significance for Polycystic kidney disease 4. Last evaluated: 2024-04-27. Review status: no assertion criteria provided. Collection method: clinical testing. Allele origin: germline. Inheritance: Autosomal recessive inheritance. Affected: yes. Observed: 1 variant allele, 1 compound heterozygote.
Comment: A likely one of the compound heterozygous missense variants c.11542G>C (p.Val3848Leu) in exon 65 (chr6:51497486; Depth: 51x) of PKHD1 gene were identified. The variant c.11542G>C has a MAF of 0.004% in the TopMed database. In silico analysis is suggestive of both variant to be damaging by SIFT and CADD. Based on the current evidence, the variants are classified as a variant of uncertain significance according to the ACMG-AMP classification system and ClinGen framework.

NM_138694.4(PKHD1):c.11542G>C (p.Val3848Leu)

Gene: PKHD1 (PKHD1 ciliary IPT domain containing fibrocystin/polyductin; minus strand). Cytogenetic location: 6p12.3.
Variant type: single nucleotide variant.
Coding change: c.11542G>C on transcript NM_138694.4 (MANE Select); coding-DNA position 11542, G replaced by C.
Protein change: p.Val3848Leu; replaces valine 3848 with leucine.
Molecular consequence: missense variant.
Genome position (GRCh38, 1-based): chr6:51,632,688, C>G on the plus strand (G>C on the coding strand, the complement: PKHD1 is on the minus strand). VCF-style: chr6-51632688-C-G. GRCh37 (hg19) VCF-style: chr6-51497486-C-G.
Other names: short protein forms V3848L.
Identifiers: ClinVar variation 3391009 (VCV003391009.2).